The following is an entry in ClinVar:

ClinVar aggregate classification (germline): Uncertain significance. Review status: criteria provided, multiple submitters, no conflicts (2 of 4 stars). 2 submissions from 2 submitters: Uncertain significance (2). Last evaluated 2025-10-29.

Conditions:
Birt-Hogg-Dube syndrome. Also called: Birt Hogg Dubé syndrome. Identifiers: Orphanet 122, MedGen C0346010, MONDO:0800444.
Hereditary cancer-predisposing syndrome. Also called: Tumor predisposition; Neoplastic Syndromes, Hereditary; Hereditary Cancer Syndrome; Hereditary neoplastic syndrome. Identifiers: Orphanet 140162, MedGen C0027672, MeSH D009386, MONDO:0015356.

Allele frequency attached by ClinVar (database versions not stated): gnomAD exomes below 0.00001; gnomAD 0.00001.
gnomAD v4.1: 2 of 1,614,046 alleles (0.00012%); highest among the groups gnomAD compares: East Asian, 0.0045%; no homozygotes.

Submissions (2):

Ambry Genetics
Classification: Uncertain significance for Hereditary cancer-predisposing syndrome. Last evaluated: 2025-10-29. Review status: criteria provided, single submitter. Criteria: Ambry Variant Classification Scheme 2023. Collection method: clinical testing. Allele origin: germline.
Comment: The p.L504F variant (also known as c.1510C>T), located in coding exon 10 of the FLCN gene, results from a C to T substitution at nucleotide position 1510. The leucine at codon 504 is replaced by phenylalanine, an amino acid with highly similar properties. This amino acid position is highly conserved in available vertebrate species. In addition, this alteration is predicted to be deleterious by in silico analysis. Based on the available evidence, the clinical significance of this variant remains unclear.

Labcorp Genetics (formerly Invitae), Labcorp
Classification: Uncertain significance for Birt-Hogg-Dube syndrome. Last evaluated: 2024-08-23. Review status: criteria provided, single submitter. Criteria: Invitae Variant Classification Sherloc (09022015). Collection method: clinical testing. Allele origin: germline.
Comment: This sequence change replaces leucine, which is neutral and non-polar, with phenylalanine, which is neutral and non-polar, at codon 504 of the FLCN protein (p.Leu504Phe). This variant is present in population databases (no rsID available, gnomAD 0.06%). This variant has not been reported in the literature in individuals affected with FLCN-related conditions. ClinVar contains an entry for this variant (Variation ID: 1774200). Invitae Evidence Modeling of protein sequence and biophysical properties (such as structural, functional, and spatial information, amino acid conservation, physicochemical variation, residue mobility, and thermodynamic stability) indicates that this missense variant is not expected to disrupt FLCN protein function with a negative predictive value of 80%. In summary, the available evidence is currently insufficient to determine the role of this variant in disease. Therefore, it has been classified as a Variant of Uncertain Significance.

NM_144997.7(FLCN):c.1510C>T (p.Leu504Phe)

Gene: FLCN (folliculin; minus strand). Cytogenetic location: 17p11.2.
Variant type: single nucleotide variant.
Coding change: c.1510C>T on transcript NM_144997.7 (MANE Select); coding-DNA position 1510, C replaced by T.
Protein change: p.Leu504Phe; replaces leucine 504 with phenylalanine.
Molecular consequence: missense variant.
Genome position (GRCh38, 1-based): chr17:17,215,013, G>A on the plus strand (C>T on the coding strand, the complement: FLCN is on the minus strand). VCF-style: chr17-17215013-G-A. GRCh37 (hg19) VCF-style: chr17-17118327-G-A.
Other names: c.1510C>T, p.Leu504Phe (NM_001353231.2, NM_001353230.2); c.1564C>T, p.Leu522Phe (NM_001353229.2); short protein forms L522F, L504F.
Identifiers: ClinVar variation 1774200 (VCV001774200.6), dbSNP rs1045022900, ClinGen allele CA398530776.
Genomic context (GRCh38, chr17:17,215,013, plus strand): 5'-AGCAAAGGGGCCTCACCCACACTGTTGCTTACTTCATCCACTCCTCCTTGAGGCAGACGA[G>A]GCACTGGTCCACCACATCCACAGACAGGTTCTGGTTGGTCAGAGCCGCTTCAATCTTATT-3'
Protein context (NP_659434.2, residues 494-514): NLSVDVVDQC[Leu504Phe]VCLKEEWMNK